The following is an entry in ClinVar:

NM_006231.4(POLE):c.6005-6C>G

Gene: POLE (DNA polymerase epsilon, catalytic subunit; minus strand). Cytogenetic location: 12q24.33.
Variant type: single nucleotide variant.
Coding change: c.6005-6C>G on transcript NM_006231.4 (MANE Select); 6 bases into the intron before coding-DNA position 6005, C replaced by G.
Molecular consequence: intron variant.
Genome position (GRCh38, 1-based): chr12:132,632,801, G>C on the plus strand (C>G on the coding strand, the complement: POLE is on the minus strand). VCF-style: chr12-132632801-G-C. GRCh37 (hg19) VCF-style: chr12-133209387-G-C.
Identifiers: ClinVar variation 2501632 (VCV002501632.1), dbSNP rs1336812799, ClinGen allele CA608513886.

ClinVar aggregate classification (germline): Uncertain significance (1 of 4 stars; one submission).

Submission:

GeneDx
Classification: Uncertain significance. Last evaluated: 2022-11-07. Review status: criteria provided, single submitter. Criteria: GeneDx Variant Classification Process June 2021. Collection method: clinical testing. Allele origin: germline. Affected: yes.
Comment: Not observed at significant frequency in large population cohorts (gnomAD); In silico analysis is inconclusive as to whether the variant alters gene splicing. In the absence of RNA/functional studies, the actual effect of this sequence change is unknown.; Has not been previously published as pathogenic or benign to our knowledge